The following is an entry in ClinVar:

ClinVar aggregate classification (germline): Uncertain significance (1 of 4 stars; one submission).

Conditions:
Werner syndrome (WRN). Identifiers: Orphanet 902, MedGen C0043119, MONDO:0010196, OMIM 277700.

Submission:

Labcorp Genetics (formerly Invitae), Labcorp
Classification: Uncertain significance for Werner syndrome. Last evaluated: 2022-07-18. Review status: criteria provided, single submitter. Criteria: Invitae Variant Classification Sherloc (09022015). Collection method: clinical testing. Allele origin: germline.
Comment: This variant is not present in population databases (gnomAD no frequency). This variant has not been reported in the literature in individuals affected with WRN-related conditions. ClinVar contains an entry for this variant (Variation ID: 944095). Algorithms developed to predict the effect of missense changes on protein structure and function output the following: SIFT: "Not Available"; PolyPhen-2: "Possibly Damaging"; Align-GVGD: "Not Available". The tyrosine amino acid residue is found in multiple mammalian species, which suggests that this missense change does not adversely affect protein function. In summary, the available evidence is currently insufficient to determine the role of this variant in disease. Therefore, it has been classified as a Variant of Uncertain Significance. This sequence change replaces cysteine, which is neutral and slightly polar, with tyrosine, which is neutral and polar, at codon 1041 of the WRN protein (p.Cys1041Tyr).

NM_000553.6(WRN):c.3122G>A (p.Cys1041Tyr)

Gene: WRN (WRN RecQ like helicase; plus strand). Cytogenetic location: 8p12.
Variant type: single nucleotide variant.
Coding change: c.3122G>A on transcript NM_000553.6 (MANE Select); coding-DNA position 3122, G replaced by A.
Protein change: p.Cys1041Tyr; replaces cysteine 1041 with tyrosine.
Molecular consequence: missense variant.
Genome position (GRCh38, 1-based): chr8:31,141,584, G>A. VCF-style: chr8-31141584-G-A. GRCh37 (hg19) VCF-style: chr8-30999100-G-A.
Other names: short protein forms C1041Y.
Identifiers: ClinVar variation 944095 (VCV000944095.6), dbSNP rs1802635322, ClinGen allele CA370922549.